The following is an entry in ClinVar:

ClinVar aggregate classification (germline): Uncertain significance. Review status: criteria provided, multiple submitters, no conflicts (2 of 4 stars). 2 submissions from 2 submitters: Uncertain significance (2). Last evaluated 2025-01-19.

Conditions:
Inborn genetic diseases. Identifiers: MedGen C0950123, MeSH D030342.

Allele frequency attached by ClinVar (database versions not stated): gnomAD exomes below 0.00001; TOPMed below 0.00001.

Submissions (2):

Ambry Genetics
Classification: Uncertain significance for Inborn genetic diseases. Last evaluated: 2025-01-19. Review status: criteria provided, single submitter. Criteria: Ambry Variant Classification Scheme 2023. Collection method: clinical testing. Allele origin: germline.

Labcorp Genetics (formerly Invitae), Labcorp
Classification: Uncertain significance. Last evaluated: 2022-10-14. Review status: criteria provided, single submitter. Criteria: Invitae Variant Classification Sherloc (09022015). Collection method: clinical testing. Allele origin: germline.
Comment: In summary, the available evidence is currently insufficient to determine the role of this variant in disease. Therefore, it has been classified as a Variant of Uncertain Significance. Advanced modeling of protein sequence and biophysical properties (such as structural, functional, and spatial information, amino acid conservation, physicochemical variation, residue mobility, and thermodynamic stability) performed at Invitae indicates that this missense variant is not expected to disrupt YARS2 protein function. This sequence change replaces arginine, which is basic and polar, with cysteine, which is neutral and slightly polar, at codon 136 of the YARS2 protein (p.Arg136Cys). This variant is not present in population databases (gnomAD no frequency). This variant has not been reported in the literature in individuals affected with YARS2-related conditions.

NM_001040436.3(YARS2):c.406C>T (p.Arg136Cys)

Gene: YARS2 (tyrosyl-tRNA synthetase 2; minus strand). Cytogenetic location: 12p11.21.
Variant type: single nucleotide variant.
Coding change: c.406C>T on transcript NM_001040436.3 (MANE Select); coding-DNA position 406, C replaced by T.
Protein change: p.Arg136Cys; replaces arginine 136 with cysteine.
Molecular consequence: missense variant.
Genome position (GRCh38, 1-based): chr12:32,755,469, G>A on the plus strand (C>T on the coding strand, the complement: YARS2 is on the minus strand). VCF-style: chr12-32755469-G-A. GRCh37 (hg19) VCF-style: chr12-32908403-G-A.
Other names: c.406C>T (NM_001040436.2); short protein forms R136C.
Identifiers: ClinVar variation 2101176 (VCV002101176.5), dbSNP rs1955830781, ClinGen allele CA384373958.